The following is an entry in ClinVar:

ClinVar aggregate classification (germline): Uncertain significance. Review status: criteria provided, multiple submitters, no conflicts (2 of 4 stars). 4 submissions from 4 submitters: Uncertain significance (4). Last evaluated 2025-12-11.

Conditions:
Hereditary cancer-predisposing syndrome. Also called: Hereditary Cancer Syndrome; Neoplastic Syndromes, Hereditary; Tumor predisposition; Hereditary neoplastic syndrome. Identifiers: Orphanet 140162, MedGen C0027672, MeSH D009386, MONDO:0015356.
Familial adenomatous polyposis 1 (FAP1). Also called: POLYPOSIS, ADENOMATOUS INTESTINAL; FAMILIAL ADENOMATOUS POLYPOSIS 1, ATTENUATED. Identifiers: MedGen C2713442, MONDO:0021056, OMIM 175100. Disease mechanism: loss of function.

Allele frequency attached by ClinVar (database versions not stated): ExAC 0.00001; gnomAD exomes below 0.00001.
gnomAD v4.1: 1 of 1,614,144 alleles (0.000062%); highest among the groups gnomAD compares: South Asian, 0.0011%; no homozygotes.

Submissions (4):

Dasa
Classification: Uncertain significance for Familial adenomatous polyposis 1. Last evaluated: 2025-12-11. Review status: criteria provided, single submitter. Criteria: DASA Assertion Criteria. Collection method: clinical testing. Allele origin: germline.
Comment: NM_000038.6(APC):c.3697C>T (p.Pro1233Ser) is a missense variant that results in the substitution of proline with serine. This variant is rare in population databases. The currently available literature and clinical evidence are not sufficient to establish a definitive association between this variant and the reported condition. Therefore, this variant is classified as a variant of uncertain significance.

Labcorp Genetics (formerly Invitae), Labcorp
Classification: Uncertain significance for Familial adenomatous polyposis 1. Last evaluated: 2025-01-01. Review status: criteria provided, single submitter. Criteria: Invitae Variant Classification Sherloc (09022015). Collection method: clinical testing. Allele origin: germline.
Comment: This sequence change replaces proline, which is neutral and non-polar, with serine, which is neutral and polar, at codon 1233 of the APC protein (p.Pro1233Ser). This variant is present in population databases (rs763997113, gnomAD 0.003%). This variant has not been reported in the literature in individuals affected with APC-related conditions. ClinVar contains an entry for this variant (Variation ID: 824085). Invitae Evidence Modeling of protein sequence and biophysical properties (such as structural, functional, and spatial information, amino acid conservation, physicochemical variation, residue mobility, and thermodynamic stability) indicates that this missense variant is not expected to disrupt APC protein function with a negative predictive value of 95%. In summary, the available evidence is currently insufficient to determine the role of this variant in disease. Therefore, it has been classified as a Variant of Uncertain Significance.

Ambry Genetics
Classification: Uncertain significance for Hereditary cancer-predisposing syndrome. Last evaluated: 2024-12-04. Review status: criteria provided, single submitter. Criteria: Ambry Variant Classification Scheme 2023. Collection method: clinical testing. Allele origin: germline.
Comment: The p.P1233S variant (also known as c.3697C>T), located in coding exon 15 of the APC gene, results from a C to T substitution at nucleotide position 3697. The proline at codon 1233 is replaced by serine, an amino acid with similar properties. This amino acid position is highly conserved in available vertebrate species. In addition, in silico predictors for this gene do not accurately predict pathogenicity. Missense alterations in APC are not a common cause of disease (Spier I et al. Genet Med. 2024 Feb;26(2):100992). Based on the available evidence, the clinical significance of this variant remains unclear.

GeneDx
Classification: Uncertain significance. Last evaluated: 2021-04-06. Review status: criteria provided, single submitter. Criteria: GeneDx Variant Classification Process June 2021. Collection method: clinical testing. Allele origin: germline. Affected: yes.
Comment: Not observed at a significant frequency in large population cohorts (Lek et al., 2016); In silico analysis supports that this missense variant has a deleterious effect on protein structure/function; Has not been previously published as pathogenic or benign to our knowledge

NM_000038.6(APC):c.3697C>T (p.Pro1233Ser)

Gene: APC (APC regulator of Wnt signaling pathway; plus strand). Cytogenetic location: 5q22.2.
Variant type: single nucleotide variant.
Coding change: c.3697C>T on transcript NM_000038.6 (MANE Select); coding-DNA position 3697, C replaced by T.
Protein change: p.Pro1233Ser; replaces proline 1233 with serine.
Molecular consequence: missense variant.
Genome position (GRCh38, 1-based): chr5:112,839,291, C>T. VCF-style: chr5-112839291-C-T. GRCh37 (hg19) VCF-style: chr5-112174988-C-T.
Other names: c.3697C>T, p.Pro1233Ser (NM_001127510.3, NM_001354895.2); c.3643C>T, p.Pro1215Ser (NM_001127511.3); c.3751C>T, p.Pro1251Ser (NM_001354896.2); c.3727C>T, p.Pro1243Ser (NM_001354897.2); c.3622C>T, p.Pro1208Ser (NM_001354898.2); c.3613C>T, p.Pro1205Ser (NM_001354899.2); c.3574C>T, p.Pro1192Ser (NM_001354900.2); c.3520C>T, p.Pro1174Ser (NM_001354901.2); and 5 more; short protein forms P1073S, P1142S, P1174S, P1132S, P1233S, P1243S, P1107S, P1208S.
Identifiers: ClinVar variation 824085 (VCV000824085.19), dbSNP rs763997113, ClinGen allele CA036299.